The following is an entry in ClinVar:

ClinVar aggregate classification (germline): Likely benign. Review status: criteria provided, single submitter (1 of 4 stars). 3 submissions from 3 submitters: Likely benign (1). 2 of the submissions do not count toward it. Last evaluated 2024-01-20.

Conditions:
AGXT-related disorder. Also called: AGXT-related condition.
Primary hyperoxaluria, type I (HP1). Also called: GLYCOLIC ACIDURIA; HEPATIC AGT DEFICIENCY; Primary hyperoxaluria type 1; OXALOSIS I. Identifiers: Orphanet 416, Orphanet 93598, MedGen C0268164, MONDO:0009823, OMIM 259900. Disease mechanism: loss of function.

Allele frequency attached by ClinVar (database versions not stated): ExAC 0.00001; gnomAD exomes 0.00001 and 0.00002; gnomAD 0.00003 and 0.00004; TOPMed 0.00004.
gnomAD v4.1: 39 of 1,614,098 alleles (0.0024%); highest among the groups gnomAD compares: African/African-American, 0.016%; no homozygotes.

Submissions (3):

Labcorp Genetics (formerly Invitae), Labcorp
Classification: Likely benign. Last evaluated: 2024-01-20. Review status: criteria provided, single submitter. Criteria: Invitae Variant Classification Sherloc (09022015). Collection method: clinical testing. Allele origin: germline.

PreventionGenetics, part of Exact Sciences
Classification: Likely benign for AGXT-related condition. Last evaluated: 2023-04-19. Review status: no assertion criteria provided. Collection method: clinical testing. Allele origin: germline. Not counted in ClinVar's aggregate classification.
Comment: This variant is classified as likely benign based on ACMG/AMP sequence variant interpretation guidelines (Richards et al. 2015 PMID: 25741868, with internal and published modifications).

Natera, Inc.
Classification: Uncertain significance for Primary hyperoxaluria type I. Last evaluated: 2020-02-13. Review status: no assertion criteria provided. Collection method: clinical testing. Allele origin: germline. Not counted in ClinVar's aggregate classification.

NM_000030.3(AGXT):c.795C>T (p.Pro265=)

Gene: AGXT (alanine--glyoxylate aminotransferase; plus strand). Cytogenetic location: 2q37.3.
Variant type: single nucleotide variant.
Coding change: c.795C>T on transcript NM_000030.3 (MANE Select); coding-DNA position 795, C replaced by T.
Protein change: p.Pro265=; no amino-acid change (proline 265 retained).
Molecular consequence: synonymous variant.
Genome position (GRCh38, 1-based): chr2:240,875,953, C>T. VCF-style: chr2-240875953-C-T. GRCh37 (hg19) VCF-style: chr2-241815370-C-T.
Identifiers: ClinVar variation 721669 (VCV000721669.13), dbSNP rs760015739, ClinGen allele CA2209265.